The following is an entry in ClinVar:

ClinVar aggregate classification (germline): Uncertain significance (1 of 4 stars; one submission).

Submission:

Labcorp Genetics (formerly Invitae), Labcorp
Classification: Uncertain significance. Last evaluated: 2025-10-01. Review status: criteria provided, single submitter. Criteria: Invitae Variant Classification Sherloc (09022015). Collection method: clinical testing. Allele origin: germline.
Comment: This sequence change falls in intron 3 of the TRAP1 gene. It does not directly change the encoded amino acid sequence of the TRAP1 protein. Information on the frequency of this variant in the gnomAD database is not available, as this variant may be reported differently in the database. This variant has not been reported in the literature in individuals affected with TRAP1-related conditions. ClinVar contains an entry for this variant (Variation ID: 1987834). Experimental studies and prediction algorithms are not available or were not evaluated, and the effect of this variant on mRNA splicing is currently unknown. In summary, the available evidence is currently insufficient to determine the role of this variant in disease. Therefore, it has been classified as a Variant of Uncertain Significance.

NM_016292.3(TRAP1):c.331-18_331-17delinsAT

Gene: TRAP1 (TNF receptor associated protein 1; minus strand). Cytogenetic location: 16p13.3.
Variant type: Indel.
Coding change: c.331-18_331-17delinsAT on transcript NM_016292.3 (MANE Select); 18 bases into the intron before coding-DNA position 331 through 17 bases into the intron before coding-DNA position 331, CC replaced by AT.
Molecular consequence: intron variant.
Genome position (GRCh38, 1-based): chr16:3,686,153-3,686,154, GG replaced by AT on the plus strand (CC replaced by AT on the coding strand, the reverse complement: TRAP1 is on the minus strand). VCF-style: chr16-3686153-GG-AT. GRCh37 (hg19) VCF-style: chr16-3736154-GG-AT.
Other names: c.172-18_172-17delinsAT (NM_001272049.2).
Identifiers: ClinVar variation 1987834 (VCV001987834.4), dbSNP rs2548318421, ClinGen allele CA2580091099.